The following is an entry in ClinVar:

NM_000180.4(GUCY2D):c.2705T>A (p.Val902Glu)

Gene: GUCY2D (guanylate cyclase 2D, retinal; plus strand). Cytogenetic location: 17p13.1.
Variant type: single nucleotide variant.
Coding change: c.2705T>A on transcript NM_000180.4 (MANE Select); coding-DNA position 2705, T replaced by A.
Protein change: p.Val902Glu; replaces valine 902 with glutamic acid.
Molecular consequence: missense variant.
Genome position (GRCh38, 1-based): chr17:8,014,987, T>A. VCF-style: chr17-8014987-T-A. GRCh37 (hg19) VCF-style: chr17-7918305-T-A.
Other names: short protein forms V902E.
Identifiers: ClinVar variation 4687222 (VCV004687222.1).
Genomic context (GRCh38, chr17:8,014,987, plus strand): 5'-ACTTTAGTGACATTGTGGGCTTCACCACCATCTCTGCCATGAGTGAGCCCATTGAGGTTG[T>A]GGACCTGCTCAACGATCTCTACACACTCTTTGATGCCATCATTGGTTCCCACGATGTCTA-3'
Protein context (NP_000171.1, residues 892-912): ISAMSEPIEV[Val902Glu]DLLNDLYTLF

ClinVar aggregate classification (germline): Uncertain significance (1 of 4 stars; one submission).

Submission:

Women's Health and Genetics/Laboratory Corporation of America, LabCorp
Classification: Uncertain significance. Last evaluated: 2025-10-17. Review status: criteria provided, single submitter. Criteria: LabCorp Variant Classification Summary - May 2015. Collection method: clinical testing. Allele origin: germline.
Comment: Variant summary: GUCY2D c.2705T>A (p.Val902Glu) results in a non-conservative amino acid change in the encoded protein sequence. Algorithms developed to predict the effect of missense changes on protein structure and function all suggest that this variant is likely to be disruptive. The frequency data for this variant in gnomAD is considered unreliable, as metrics indicate poor data quality at this position. To our knowledge, no occurrence of c.2705T>A in individuals affected with GUCY2D-related conditions and no experimental evidence demonstrating its impact on protein function have been reported. No submitters have cited clinical-significance assessments for this variant to ClinVar. Based on the evidence outlined above, the variant was classified as uncertain significance.